The following is an entry in ClinVar:

NM_001101.5(ACTB):c.802G>T (p.Gly268Cys)

Gene: ACTB (actin beta; minus strand). Cytogenetic location: 7p22.1.
Variant type: single nucleotide variant.
Coding change: c.802G>T on transcript NM_001101.5 (MANE Select); coding-DNA position 802, G replaced by T.
Protein change: p.Gly268Cys; replaces glycine 268 with cysteine.
Molecular consequence: missense variant.
Genome position (GRCh38, 1-based): chr7:5,528,281, C>A on the plus strand (G>T on the coding strand, the complement: ACTB is on the minus strand). VCF-style: chr7-5528281-C-A. GRCh37 (hg19) VCF-style: chr7-5567912-C-A.
Other names: short protein forms G268C.
Identifiers: ClinVar variation 989343 (VCV000989343.4), dbSNP rs1554329269, ClinGen allele CA366701049.
Genomic context (GRCh38, chr7:5,528,281, plus strand): 5'-AGCACAGCCCCGAGGGGTAACCCTCATGTCAGGCAGAGCCGGGAGACAGTCTCCACTCAC[C>A]CAGGAAGGAAGGCTGGAAGAGTGCCTCAGGGCAGCGGAACCGCTCATTGCCAATGGTGAT-3'
Protein context (NP_001092.1, residues 258-278): PEALFQPSFL[Gly268Cys]MESCGIHETT

ClinVar aggregate classification (germline): Likely pathogenic (1 of 4 stars; one submission).

Conditions:
ACTB-related disorder. Also called: ACTB-related disorders; ACTB-related condition.

Submission:

Illumina Laboratory Services, Illumina
Classification: Likely pathogenic for ACTB-related disorders. Last evaluated: 2019-07-30. Review status: criteria provided, single submitter. Criteria: ICSLVariantClassificationCriteria RUGD 01 April 2020. Collection method: clinical testing. Allele origin: unknown.
Comment: The ACTB c.802G>T (p.Gly268Cys) variant is a missense variant. A literature search was performed for the gene, cDNA change, and amino acid change. No publications were found based on this search. This variant is not found in the Genome Aggregation Database in a region of good sequence coverage, so the variant is presumed to be rare. Based on the identification of the variant in a de novo state, its rarity, and literature evidence, the p.Gly268Cys variant is classified as likely pathogenic for ACTB-related disorders.

Literature cited by the submitters: PubMed 29388391.